The following is an entry in ClinVar:

NC_000003.12:g.12664202G>C

Gene: RAF1 (Raf-1 proto-oncogene, serine/threonine kinase; minus strand). Cytogenetic location: 3p25.2.
Variant type: single nucleotide variant.
Genome position: GRCh38 VCF-style: chr3-12664202-G-C. GRCh37 (hg19) VCF-style: chr3-12705701-G-C.
Identifiers: ClinVar variation 177923 (VCV000177923.11), dbSNP rs61730434, ClinGen allele CA181010.

ClinVar aggregate classification (germline): Benign/Likely benign. Review status: criteria provided, multiple submitters, no conflicts (2 of 4 stars). 2 submissions from 2 submitters: Benign (1); Likely benign (1). Last evaluated 2020-09-21.

Allele frequency attached by ClinVar (database versions not stated): gnomAD exomes 0.00115; gnomAD 0.01045 and 0.01127; TOPMed 0.01187; 1000 Genomes Project 0.01218; 1000 Genomes Project 30x 0.01343.

Submissions (2):

GeneDx
Classification: Likely benign. Last evaluated: 2020-09-21. Review status: criteria provided, single submitter. Criteria: GeneDx Variant Classification Process June 2021. Collection method: clinical testing. Allele origin: germline. Affected: yes.

Laboratory for Molecular Medicine, Mass General Brigham Personalized Medicine
Classification: Benign. Last evaluated: 2011-06-01. Review status: criteria provided, single submitter. Criteria: LMM Criteria. Collection method: clinical testing. Allele origin: germline. Observed: 4 variant alleles.
Comment: -415-1C>G in the 5'UTR of RAF1: This variant is not expected to have clinical si gnificance because it has been identified in 4.2% of the Yoruba population and i n 1.3% in a mixed population consisting of Caucasian and African American health y females (rs61730434). In addition, it has been identified by our laboratory in four individuals, one of whom also has a pathogenic PTPN11 variant.